The following is an entry in ClinVar:

NM_033026.6(PCLO):c.10391C>T (p.Thr3464Ile)

Gene: PCLO (piccolo presynaptic cytomatrix protein; minus strand). Cytogenetic location: 7q21.11.
Variant type: single nucleotide variant.
Coding change: c.10391C>T on transcript NM_033026.6 (MANE Select); coding-DNA position 10391, C replaced by T.
Protein change: p.Thr3464Ile; replaces threonine 3464 with isoleucine.
Molecular consequence: missense variant.
Genome position (GRCh38, 1-based): chr7:82,950,197, G>A on the plus strand (C>T on the coding strand, the complement: PCLO is on the minus strand). VCF-style: chr7-82950197-G-A. GRCh37 (hg19) VCF-style: chr7-82579513-G-A.
Other names: c.10391C>T, p.Thr3464Ile (NM_014510.3); short protein forms T3464I.
Identifiers: ClinVar variation 1915249 (VCV001915249.5), dbSNP rs1228974248, ClinGen allele CA367904033.
Genomic context (GRCh38, chr7:82,950,197, plus strand): 5'-ATATCCCACTCATCCTGATCTTCATCATCAGTTTGGACGCTTGTATCCACACTCTTTTTA[G>A]TTCTCCTTCTCCTACTCACATAGCTCCGATCTGTGGCATCTTCGTCATCCGTTTGTACAC-3'
Protein context (NP_149015.2, residues 3454-3474): DRSYVSRRRR[Thr3464Ile]KKSVDTSVQT

ClinVar aggregate classification (germline): Uncertain significance (1 of 4 stars; one submission).

Allele frequency attached by ClinVar (database versions not stated): gnomAD exomes below 0.00001.
gnomAD v4.1: 1 of 1,611,430 alleles (0.000062%); highest among the groups gnomAD compares: Admixed American, 0.0017%; no homozygotes.

Submission:

Labcorp Genetics (formerly Invitae), Labcorp
Classification: Uncertain significance. Last evaluated: 2021-12-09. Review status: criteria provided, single submitter. Criteria: Invitae Variant Classification Sherloc (09022015). Collection method: clinical testing. Allele origin: germline.
Comment: In summary, the available evidence is currently insufficient to determine the role of this variant in disease. Therefore, it has been classified as a Variant of Uncertain Significance. Algorithms developed to predict the effect of missense changes on protein structure and function are either unavailable or do not agree on the potential impact of this missense change (SIFT: "Deleterious"; PolyPhen-2: "Not Available"; Align-GVGD: "Class C0"). This variant has not been reported in the literature in individuals affected with PCLO-related conditions. This variant is present in population databases (no rsID available, gnomAD no frequency). This sequence change replaces threonine, which is neutral and polar, with isoleucine, which is neutral and non-polar, at codon 3464 of the PCLO protein (p.Thr3464Ile).